The following is an entry in ClinVar:

ClinVar aggregate classification (germline): Uncertain significance (1 of 4 stars; one submission).

Submission:

GeneDx
Classification: Uncertain significance. Last evaluated: 2023-07-28. Review status: criteria provided, single submitter. Criteria: GeneDx Variant Classification Process June 2021. Collection method: clinical testing. Allele origin: germline. Affected: yes.
Comment: Has not been previously published as pathogenic or benign to our knowledge; Not observed at significant frequency in large population cohorts (gnomAD); In silico analysis supports that this missense variant does not alter protein structure/function

NM_000052.7(ATP7A):c.1663G>A (p.Val555Met)

Gene: ATP7A (ATPase copper transporting alpha; plus strand). Cytogenetic location: Xq21.1.
Variant type: single nucleotide variant.
Coding change: c.1663G>A on transcript NM_000052.7 (MANE Select); coding-DNA position 1663, G replaced by A.
Protein change: p.Val555Met; replaces valine 555 with methionine.
Molecular consequence: missense variant.
Genome position (GRCh38, 1-based): chrX:78,003,192, G>A. VCF-style: chrX-78003192-G-A. GRCh37 (hg19) VCF-style: chrX-77258689-G-A.
Other names: c.1663G>A, p.Val555Met (NM_001282224.2); short protein forms V555M.
Identifiers: ClinVar variation 3361811 (VCV003361811.1).
Genomic context (GRCh38, chrX:78,003,192, plus strand): 5'-GCTGTTATACAACCCCCAATGATAGCAGAGTTCATCCGAGAACTTGGATTTGGAGCCACT[G>A]TGATAGAAAATGCTGATGAAGGAGATGGTGTTTTGGAACTTGTTGTAAGTAAGATTTTTT-3'
Protein context (NP_000043.4, residues 545-565): FIRELGFGAT[Val555Met]IENADEGDGV